The following is an entry in ClinVar:

ClinVar aggregate classification (germline): Uncertain significance (1 of 4 stars; one submission).

Conditions:
Adams-Oliver syndrome 5 (AOS5). Identifiers: Orphanet 974, MedGen C4014970, MONDO:0014459, OMIM 616028.

Submission:

Labcorp Genetics (formerly Invitae), Labcorp
Classification: Uncertain significance for Adams-Oliver syndrome 5. Last evaluated: 2024-10-17. Review status: criteria provided, single submitter. Criteria: Invitae Variant Classification Sherloc (09022015). Collection method: clinical testing. Allele origin: germline.
Comment: This sequence change replaces arginine, which is basic and polar, with leucine, which is neutral and non-polar, at codon 1627 of the NOTCH1 protein (p.Arg1627Leu). This variant is not present in population databases (gnomAD no frequency). This variant has not been reported in the literature in individuals affected with NOTCH1-related conditions. Invitae Evidence Modeling of protein sequence and biophysical properties (such as structural, functional, and spatial information, amino acid conservation, physicochemical variation, residue mobility, and thermodynamic stability) indicates that this missense variant is not expected to disrupt NOTCH1 protein function with a negative predictive value of 80%. In summary, the available evidence is currently insufficient to determine the role of this variant in disease. Therefore, it has been classified as a Variant of Uncertain Significance.

NM_017617.5(NOTCH1):c.4880G>T (p.Arg1627Leu)

Gene: NOTCH1 (notch receptor 1; minus strand). Cytogenetic location: 9q34.3.
Variant type: single nucleotide variant.
Coding change: c.4880G>T on transcript NM_017617.5 (MANE Select); coding-DNA position 4880, G replaced by T.
Protein change: p.Arg1627Leu; replaces arginine 1627 with leucine.
Molecular consequence: missense variant.
Genome position (GRCh38, 1-based): chr9:136,504,811, C>A on the plus strand (G>T on the coding strand, the complement: NOTCH1 is on the minus strand). VCF-style: chr9-136504811-C-A. GRCh37 (hg19) VCF-style: chr9-139399263-C-A.
Other names: short protein forms R1627L.
Identifiers: ClinVar variation 3667165 (VCV003667165.2).